The following is an entry in ClinVar:

ClinVar aggregate classification (germline): Uncertain significance (1 of 4 stars; one submission).

Submission:

GeneDx
Classification: Uncertain significance. Last evaluated: 2020-10-16. Review status: criteria provided, single submitter. Criteria: GeneDx Variant Classification Process June 2021. Collection method: clinical testing. Allele origin: germline. Affected: yes.
Comment: Not observed in large population cohorts (Lek et al., 2016); In silico analysis supports that this missense variant has a deleterious effect on protein structure/function; Has not been previously published as pathogenic or benign to our knowledge

NM_005045.4(RELN):c.4921T>C (p.Phe1641Leu)

Gene: RELN (reelin; minus strand). Cytogenetic location: 7q22.1.
Variant type: single nucleotide variant.
Coding change: c.4921T>C on transcript NM_005045.4 (MANE Select); coding-DNA position 4921, T replaced by C.
Protein change: p.Phe1641Leu; replaces phenylalanine 1641 with leucine.
Molecular consequence: missense variant.
Genome position (GRCh38, 1-based): chr7:103,566,239, A>G on the plus strand (T>C on the coding strand, the complement: RELN is on the minus strand). VCF-style: chr7-103566239-A-G. GRCh37 (hg19) VCF-style: chr7-103206686-A-G.
Other names: c.4921T>C, p.Phe1641Leu (NM_173054.3); short protein forms F1641L.
Identifiers: ClinVar variation 1317363 (VCV001317363.2), dbSNP rs2117188147, ClinGen allele CA368747658.
Genomic context (GRCh38, chr7:103,566,239, plus strand): 5'-TCTAGTTAATCAGATATTTTCCCTTTATCTGGTGACAATATATACCTATGTTTTCAGTGA[A>G]TATCAGAGCAGTATCCATAGAGAGACAGTCAATATCAACTTGACCTCCTTGGATTCGATA-3'
Protein context (NP_005036.2, residues 1631-1651): DCLSMDTALI[Phe1641Leu]TENIGKPRYA